The following is an entry in ClinVar:

ClinVar aggregate classification (germline): Uncertain significance (1 of 4 stars; one submission).

Conditions:
Norman-Roberts syndrome (LIS2). Also called: Lissencephaly 2 (Norman-Roberts type). Identifiers: Orphanet 89844, MedGen C0796089, MONDO:0009760, OMIM 257320.
Familial temporal lobe epilepsy 7. Identifiers: Orphanet 101046, MedGen C4225327, MONDO:0014639, OMIM 616436.

Allele frequency attached by ClinVar (database versions not stated): gnomAD 0.00001; TOPMed 0.00001.
gnomAD v4.1: 1 of 1,611,400 alleles (0.000062%); highest among the groups gnomAD compares: Non-Finnish European, 0.000085%; no homozygotes.

Submission:

Labcorp Genetics (formerly Invitae), Labcorp
Classification: Uncertain significance for Familial temporal lobe epilepsy 7; Norman-Roberts syndrome. Last evaluated: 2023-06-11. Review status: criteria provided, single submitter. Criteria: Invitae Variant Classification Sherloc (09022015). Collection method: clinical testing. Allele origin: germline.
Comment: This sequence change replaces histidine, which is basic and polar, with arginine, which is basic and polar, at codon 490 of the RELN protein (p.His490Arg). This variant is not present in population databases (gnomAD no frequency). This variant has not been reported in the literature in individuals affected with RELN-related conditions. Advanced modeling of protein sequence and biophysical properties (such as structural, functional, and spatial information, amino acid conservation, physicochemical variation, residue mobility, and thermodynamic stability) performed at Invitae indicates that this missense variant is not expected to disrupt RELN protein function. In summary, the available evidence is currently insufficient to determine the role of this variant in disease. Therefore, it has been classified as a Variant of Uncertain Significance.

NM_005045.4(RELN):c.1469A>G (p.His490Arg)

Gene: RELN (reelin; minus strand). Cytogenetic location: 7q22.1.
Variant type: single nucleotide variant.
Coding change: c.1469A>G on transcript NM_005045.4 (MANE Select); coding-DNA position 1469, A replaced by G.
Protein change: p.His490Arg; replaces histidine 490 with arginine.
Molecular consequence: missense variant.
Genome position (GRCh38, 1-based): chr7:103,654,178, T>C on the plus strand (A>G on the coding strand, the complement: RELN is on the minus strand). VCF-style: chr7-103654178-T-C. GRCh37 (hg19) VCF-style: chr7-103294625-T-C.
Other names: c.1469A>G, p.His490Arg (NM_173054.3); short protein forms H490R.
Identifiers: ClinVar variation 2937202 (VCV002937202.3), dbSNP rs1193971751, ClinGen allele CA368766993.
Genomic context (GRCh38, chr7:103,654,178, plus strand): 5'-TCCAGTGTTATATGCTCTTTTCTTCCTTCAATTTTTGCATACAGGATTATGTCATTTTCA[T>C]GAGAATTTCCAGGGTCACAAATTCCTCCTGCACAAAACAAAAATTTTAAGTTGCTAGTAC-3'
Protein context (NP_005036.2, residues 480-500): MGGICDPGNS[His490Arg]ENDIILYAKI